The following is an entry in ClinVar:

ClinVar aggregate classification (germline): Uncertain significance. Review status: criteria provided, multiple submitters, no conflicts (2 of 4 stars). 2 submissions from 2 submitters: Uncertain significance (2). Last evaluated 2026-02-05.

Allele frequency attached by ClinVar (database versions not stated): gnomAD exomes 0.00002 and 0.00001; ExAC 0.00002; gnomAD 0.00004 and 0.00005; TOPMed 0.00009; 1000 Genomes Project 30x 0.00016; 1000 Genomes Project 0.00020.
gnomAD v4.1: 13 of 1,614,046 alleles (0.00081%); highest among the groups gnomAD compares: Admixed American, 0.017%; no homozygotes.

Submissions (2):

GeneDx
Classification: Uncertain significance. Last evaluated: 2026-02-05. Review status: criteria provided, single submitter. Criteria: GeneDx Variant Classification Process June 2021. Collection method: clinical testing. Allele origin: germline. Affected: yes.
Comment: In silico analysis supports that this missense variant has a deleterious effect on protein structure/function; Has not been previously published as pathogenic or benign to our knowledge

Labcorp Genetics (formerly Invitae), Labcorp
Classification: Uncertain significance. Last evaluated: 2025-10-23. Review status: criteria provided, single submitter. Criteria: Invitae Variant Classification Sherloc (09022015). Collection method: clinical testing. Allele origin: germline.
Comment: This sequence change replaces glutamine, which is neutral and polar, with histidine, which is basic and polar, at codon 620 of the MYO3A protein (p.Gln620His). This variant is present in population databases (rs556349593, gnomAD 0.01%). This variant has not been reported in the literature in individuals affected with MYO3A-related conditions. ClinVar contains an entry for this variant (Variation ID: 1218683). Invitae Evidence Modeling of protein sequence and biophysical properties (such as structural, functional, and spatial information, amino acid conservation, physicochemical variation, residue mobility, and thermodynamic stability) indicates that this missense variant is not expected to disrupt MYO3A protein function with a negative predictive value of 80%. In summary, the available evidence is currently insufficient to determine the role of this variant in disease. Therefore, it has been classified as a Variant of Uncertain Significance.

NM_017433.5(MYO3A):c.1860G>C (p.Gln620His)

Gene: MYO3A (myosin IIIA; plus strand). Cytogenetic location: 10p12.1.
Variant type: single nucleotide variant.
Coding change: c.1860G>C on transcript NM_017433.5 (MANE Select); coding-DNA position 1860, G replaced by C.
Protein change: p.Gln620His; replaces glutamine 620 with histidine.
Molecular consequence: missense variant.
Genome position (GRCh38, 1-based): chr10:26,120,759, G>C. VCF-style: chr10-26120759-G-C. GRCh37 (hg19) VCF-style: chr10-26409688-G-C.
Other names: short protein forms Q620H.
Identifiers: ClinVar variation 1218683 (VCV001218683.13), dbSNP rs556349593, ClinGen allele CA5444794.